The following is an entry in ClinVar:

NM_001846.4(COL4A2):c.361-1G>A

Gene: COL4A2 (collagen type IV alpha 2 chain; plus strand). Cytogenetic location: 13q34.
Variant type: single nucleotide variant.
Coding change: c.361-1G>A on transcript NM_001846.4 (MANE Select); the canonical splice acceptor site of the intron before coding-DNA position 361, G replaced by A.
Molecular consequence: splice acceptor variant.
Genome position (GRCh38, 1-based): chr13:110,428,466, G>A. VCF-style: chr13-110428466-G-A. GRCh37 (hg19) VCF-style: chr13-111080813-G-A.
Identifiers: ClinVar variation 2121413 (VCV002121413.5), dbSNP rs1880548859, ClinGen allele CA388728789.

ClinVar aggregate classification (germline): Pathogenic/Likely pathogenic. Review status: criteria provided, multiple submitters, no conflicts (2 of 4 stars). 2 submissions from 2 submitters: Pathogenic (1); Likely pathogenic (1). Last evaluated 2024-10-24.

Conditions:
Brain small vessel disease 2A, autosomal dominant. Also called: Porencephaly 2. Identifiers: Orphanet 2940, Orphanet 99810, MedGen C3280970, MONDO:0013773, OMIM 614483.

Submissions (2):

Labcorp Genetics (formerly Invitae), Labcorp
Classification: Likely pathogenic. Last evaluated: 2024-10-24. Review status: criteria provided, single submitter. Criteria: Invitae Variant Classification Sherloc (09022015). Collection method: clinical testing. Allele origin: germline.
Comment: This sequence change affects an acceptor splice site in intron 6 of the COL4A2 gene. It is expected to disrupt RNA splicing. Variants that disrupt the donor or acceptor splice site typically lead to a loss of protein function (PMID: 16199547), and loss-of-function variants in COL4A2 are known to be pathogenic (PMID: 22333902, 30315939). This variant is not present in population databases (gnomAD no frequency). This variant has not been reported in the literature in individuals affected with COL4A2-related conditions. ClinVar contains an entry for this variant (Variation ID: 2121413). Algorithms developed to predict the effect of sequence changes on RNA splicing suggest that this variant may disrupt the consensus splice site. In summary, the currently available evidence indicates that the variant is pathogenic, but additional data are needed to prove that conclusively. Therefore, this variant has been classified as Likely Pathogenic.

3billion
Classification: Pathogenic for Brain small vessel disease 2A, autosomal dominant. Last evaluated: 2023-11-29. Review status: criteria provided, single submitter. Criteria: ACMG Guidelines, 2015. Collection method: clinical testing. Allele origin: germline. Affected: yes.
Comment: The variant is not observed in the gnomAD v2.1.1 dataset. Predicted Consequence/Location: Canonical splice site: predicted to alter splicing and result in a loss or disruption of normal protein function. Multiple pathogenic loss-of-function variants are reported downstream of the variant. In silico tools predict the variant to alter splicing and produce an abnormal transcript [Splice AI: 0.99 (spliceogenicity >=0.2, non-spliceogenicity <0.1)]. The variant has been reported to be associated with COL4A2 related disorder (ClinVar ID: VCV002121413). Therefore, this variant is classified as Likely pathogenic according to the recommendation of ACMG/AMP guideline.

Literature cited by the submitters: PubMed 16199547 (cited by Labcorp Genetics (formerly Invitae), Labcorp); PubMed 22333902 (cited by Labcorp Genetics (formerly Invitae), Labcorp); PubMed 30315939 (cited by Labcorp Genetics (formerly Invitae), Labcorp).